The following is an entry in ClinVar:

ClinVar aggregate classification (germline): Likely pathogenic. Review status: criteria provided, single submitter (1 of 4 stars). 2 submissions from 2 submitters: Likely pathogenic (1). 1 of the submissions does not count toward it. Last evaluated 2024-10-14.

Conditions:
Fanconi anemia (FA). Also called: Fanconi's anemia. Identifiers: Orphanet 84, MedGen C0015625, MeSH D005199, MONDO:0019391.
Fanconi anemia complementation group A (FANCA). Also called: Fanconi anemia, group A; FANCA-Related Fanconi Anemia. Identifiers: Orphanet 84, MedGen C3469521, MONDO:0009215, OMIM 227650.

Submissions (2):

Natera, Inc.
Classification: Likely pathogenic for Fanconi anemia. Last evaluated: 2024-10-14. Review status: criteria provided, single submitter. Criteria: Natera Variant Classification Schema (03/2026). Collection method: clinical testing. Allele origin: germline.
Comment: The c.3130C>T variant in FANCA is a nonsense variant predicted to introduce a stop codon at amino acid 1044. This variant is expected to result in nonsense mediated decay, truncation, or a dysfunctional protein product. This variant is rare in the general population with a frequency below the threshold expected for the associated phenotype(s). Given the available evidence, this variant is classified as Likely Pathogenic.

Leiden Open Variation Database
Classification: Pathogenic for Fanconi anemia complementation group A. Last evaluated: 2020-02-28. Review status: no assertion criteria provided. Collection method: curation. Allele origin: germline. Affected: yes. Not counted in ClinVar's aggregate classification.
Comment: Curator: Arleen D. Auerbach. Submitter to LOVD: Arleen D. Auerbach.

NM_000135.4(FANCA):c.3130C>T (p.Gln1044Ter)

Gene: FANCA (FA complementation group A; minus strand). Cytogenetic location: 16q24.3.
Variant type: single nucleotide variant.
Coding change: c.3130C>T on transcript NM_000135.4 (MANE Select); coding-DNA position 3130, C replaced by T.
Protein change: p.Gln1044Ter; replaces glutamine 1044 with a stop codon.
Molecular consequence: nonsense.
Genome position (GRCh38, 1-based): chr16:89,749,839, G>A on the plus strand (C>T on the coding strand, the complement: FANCA is on the minus strand). VCF-style: chr16-89749839-G-A. GRCh37 (hg19) VCF-style: chr16-89816247-G-A.
Other names: c.3130C>T, p.Gln1044Ter (NM_001286167.3); c.3130C>T (NM_000135.3); short protein forms Q1044*.
Identifiers: ClinVar variation 974254 (VCV000974254.2), dbSNP rs1172710952, ClinGen allele CA397486638.